The following is an entry in ClinVar:

NM_025074.7(FRAS1):c.8830A>T (p.Ser2944Cys)

Gene: FRAS1 (Fraser extracellular matrix complex subunit 1; plus strand). Cytogenetic location: 4q21.21.
Variant type: single nucleotide variant.
Coding change: c.8830A>T on transcript NM_025074.7 (MANE Select); coding-DNA position 8830, A replaced by T.
Protein change: p.Ser2944Cys; replaces serine 2944 with cysteine.
Molecular consequence: missense variant.
Genome position (GRCh38, 1-based): chr4:78,488,952, A>T. VCF-style: chr4-78488952-A-T. GRCh37 (hg19) VCF-style: chr4-79410106-A-T.
Other names: c.8830A>T (NM_025074.6); short protein forms S2944C.
Identifiers: ClinVar variation 3591143 (VCV003591143.2).
Genomic context (GRCh38, chr4:78,488,952, plus strand): 5'-GCCAAGGATTTGCTCCTAGTGAAGGAGAAGGAGGGTGTCCTGCATGTCCCTATCACTCGG[A>T]GCGGAGACCTGAGCTATGAGTCATCAGTGAGGTGCTATACTCAGAGCCATTCCGCTCAGG-3'
Protein context (NP_079350.5, residues 2934-2954): EGVLHVPITR[Ser2944Cys]GDLSYESSVR

ClinVar aggregate classification (germline): Uncertain significance. Review status: criteria provided, multiple submitters, no conflicts (2 of 4 stars). 2 submissions from 2 submitters: Uncertain significance (2). Last evaluated 2026-03-08.

Conditions:
Fraser syndrome 1 (FRASRS1). Also called: CRYPTOPHTHALMOS WITH OTHER MALFORMATIONS. Identifiers: Orphanet 2052, MedGen C4551480, MONDO:0054737, OMIM 219000.

gnomAD v4.1: 10 of 1,613,482 alleles (0.00062%); highest among the groups gnomAD compares: Admixed American, 0.017%; no homozygotes.

Submissions (2):

GeneDx
Classification: Uncertain significance. Last evaluated: 2026-03-08. Review status: criteria provided, single submitter. Criteria: GeneDx Variant Classification Process June 2021. Collection method: clinical testing. Allele origin: germline.
Comment: Has not been previously published as pathogenic or benign to our knowledge; In silico analysis supports that this missense variant has a deleterious effect on protein structure/function

Fulgent Genetics
Classification: Uncertain significance for Fraser syndrome 1. Last evaluated: 2024-05-07. Review status: criteria provided, single submitter. Criteria: ACMG Guidelines, 2015. Collection method: clinical testing. Allele origin: germline.